The following is an entry in ClinVar:

NM_001001957.2(OR2W3):c.534_535delinsTT (p.Arg179Cys)

Gene: OR2W3 (olfactory receptor family 2 subfamily W member 3; plus strand). Cytogenetic location: 1q44.
Variant type: Indel.
Coding change: c.534_535delinsTT on transcript NM_001001957.2 (MANE Select); coding-DNA positions 534 to 535, GC replaced by TT.
Protein change: p.Arg179Cys; replaces arginine 179 with cysteine.
Molecular consequence: missense variant.
Genome position (GRCh38, 1-based): chr1:247,896,120-247,896,121, GC replaced by TT. VCF-style: chr1-247896120-GC-TT. GRCh37 (hg19) VCF-style: chr1-248059422-GC-TT.
Other names: short protein forms R179C.
Identifiers: ClinVar variation 4810054 (VCV004810054.1).

ClinVar aggregate classification (germline): Uncertain significance (1 of 4 stars; one submission).

Submission:

Labcorp Genetics (formerly Invitae), Labcorp
Classification: Uncertain significance. Last evaluated: 2025-12-03. Review status: criteria provided, single submitter. Criteria: Invitae Variant Classification Sherloc (09022015). Collection method: clinical testing. Allele origin: germline.
Comment: This sequence change replaces arginine, which is basic and polar, with cysteine, which is neutral and slightly polar, at codon 179 of the OR2W3 protein (p.Arg179Cys). Information on the frequency of this variant in the gnomAD database is not available, as this variant may be reported differently in the database. This variant has not been reported in the literature in individuals affected with OR2W3-related conditions. Experimental studies and prediction algorithms are not available or were not evaluated, and the functional significance of this variant is currently unknown. In summary, the available evidence is currently insufficient to determine the role of this variant in disease. Therefore, it has been classified as a Variant of Uncertain Significance.